The following is an entry in ClinVar:

NM_001330260.2(SCN8A):c.2227A>G (p.Lys743Glu)

Gene: SCN8A (sodium voltage-gated channel alpha subunit 8; plus strand). Cytogenetic location: 12q13.13.
Variant type: single nucleotide variant.
Coding change: c.2227A>G on transcript NM_001330260.2 (MANE Select); coding-DNA position 2227, A replaced by G.
Protein change: p.Lys743Glu; replaces lysine 743 with glutamic acid.
Molecular consequence: missense variant.
Genome position (GRCh38, 1-based): chr12:51,751,450, A>G. VCF-style: chr12-51751450-A-G. GRCh37 (hg19) VCF-style: chr12-52145234-A-G.
Other names: c.2227A>G, p.Lys743Glu (NM_001177984.3, NM_001369788.1, NM_014191.4); short protein forms K743E.
Identifiers: ClinVar variation 3371559 (VCV003371559.1).

ClinVar aggregate classification (germline): Uncertain significance (1 of 4 stars; one submission).

Submission:

GeneDx
Classification: Uncertain significance. Last evaluated: 2024-04-02. Review status: criteria provided, single submitter. Criteria: GeneDx Variant Classification Process June 2021. Collection method: clinical testing. Allele origin: germline. Affected: yes.
Comment: Not observed at significant frequency in large population cohorts (gnomAD); In silico analysis supports that this missense variant has a deleterious effect on protein structure/function; Has not been previously published as pathogenic or benign to our knowledge; This substitution is predicted to be in the cytoplasmic loop between the first and second homologous domains